The following is an entry in ClinVar:

ClinVar aggregate classification (germline): Uncertain significance (1 of 4 stars; one submission).

Conditions:
Nephronophthisis. Also called: Juvenile Nephronophthisis. Identifiers: Orphanet 655, MedGen C0687120, MONDO:0019005, HP:0000090.

Allele frequency attached by ClinVar (database versions not stated): gnomAD 0.00001; TOPMed below 0.00001; ExAC 0.00001; gnomAD exomes below 0.00001.
gnomAD v4.1: 29 of 1,612,094 alleles (0.0018%); highest among the groups gnomAD compares: Non-Finnish European, 0.0023%; no homozygotes.

Submission:

Labcorp Genetics (formerly Invitae), Labcorp
Classification: Uncertain significance for Nephronophthisis. Last evaluated: 2022-07-26. Review status: criteria provided, single submitter. Criteria: Invitae Variant Classification Sherloc (09022015). Collection method: clinical testing. Allele origin: germline.
Comment: This sequence change replaces alanine, which is neutral and non-polar, with glycine, which is neutral and non-polar, at codon 1030 of the NPHP4 protein (p.Ala1030Gly). This variant is present in population databases (rs774683576, gnomAD 0.0009%). This variant has not been reported in the literature in individuals affected with NPHP4-related conditions. ClinVar contains an entry for this variant (Variation ID: 971553). Algorithms developed to predict the effect of missense changes on protein structure and function are either unavailable or do not agree on the potential impact of this missense change (SIFT: "Tolerated"; PolyPhen-2: "Possibly Damaging"; Align-GVGD: "Class C0"). In summary, the available evidence is currently insufficient to determine the role of this variant in disease. Therefore, it has been classified as a Variant of Uncertain Significance.

NM_015102.5(NPHP4):c.3089C>G (p.Ala1030Gly)

Gene: NPHP4 (nephrocystin 4; minus strand). Cytogenetic location: 1p36.31.
Variant type: single nucleotide variant.
Coding change: c.3089C>G on transcript NM_015102.5 (MANE Select); coding-DNA position 3089, C replaced by G.
Protein change: p.Ala1030Gly; replaces alanine 1030 with glycine.
Molecular consequence: missense variant. On other transcripts: non-coding transcript variant (1).
Genome position (GRCh38, 1-based): chr1:5,874,613, G>C on the plus strand (C>G on the coding strand, the complement: NPHP4 is on the minus strand). VCF-style: chr1-5874613-G-C. GRCh37 (hg19) VCF-style: chr1-5934673-G-C.
Other names: c.1550C>G, p.Ala517Gly (NM_001291593.2); c.1553C>G, p.Ala518Gly (NM_001291594.2); short protein forms A1030G, A517G, A518G.
Identifiers: ClinVar variation 971553 (VCV000971553.8), dbSNP rs774683576, ClinGen allele CA553799.